The following is an entry in ClinVar:

ClinVar aggregate classification (germline): Pathogenic. Review status: criteria provided, multiple submitters, no conflicts (2 of 4 stars). 2 submissions from 2 submitters: Pathogenic (2). Last evaluated 2026-04-01.

Conditions:
Sotos syndrome (SOTOS). Also called: CHROMOSOME 5q35 DELETION SYNDROME; CEREBRAL GIGANTISM; Sotos' syndrome; Distinctive facial appearance, overgrowth in childhood, and learning disabilities or delayed development; SOTOS SYNDROME 1. Identifiers: Orphanet 821, MedGen C0175695, MONDO:0019349, OMIM 117550.

Submissions (2):

CeGaT Center for Human Genetics Tuebingen
Classification: Pathogenic. Last evaluated: 2026-04-01. Review status: criteria provided, single submitter. Criteria: CeGaT Center For Human Genetics Tuebingen Variant Classification Criteria Version 2. Collection method: clinical testing. Allele origin: germline. Affected: yes. Observed: 1 variant allele.
Comment: NSD1: PVS1, PM2

Genetic Services Laboratory, University of Chicago
Classification: Pathogenic for Sotos syndrome 1. Last evaluated: 2013-02-08. Review status: criteria provided, single submitter. Criteria: ACMG Guidelines, 2007. Collection method: clinical testing. Allele origin: germline. Inheritance: Autosomal dominant inheritance. Affected: yes.

NM_022455.5(NSD1):c.4444C>T (p.Gln1482Ter)

Gene: NSD1 (nuclear receptor binding SET domain protein 1; plus strand). Cytogenetic location: 5q35.3.
Variant type: single nucleotide variant.
Coding change: c.4444C>T on transcript NM_022455.5 (MANE Select); coding-DNA position 4444, C replaced by T.
Protein change: p.Gln1482Ter; replaces glutamine 1482 with a stop codon.
Molecular consequence: nonsense.
Genome position (GRCh38, 1-based): chr5:177,246,743, C>T. VCF-style: chr5-177246743-C-T. GRCh37 (hg19) VCF-style: chr5-176673744-C-T.
Other names: c.3571C>T, p.Gln1191Ter (NM_001409307.1, NM_001409308.1, NM_001409309.1 and 3 more transcripts); c.4444C>T, p.Gln1482Ter (NM_001409301.1, NM_001409302.1, NM_001409303.1); c.4024C>T, p.Gln1342Ter (NM_001409304.1); c.3691C>T, p.Gln1231Ter (NM_001409305.1); short protein forms Q1482*, Q1213*, Q1191*, Q1231*, Q1342*.
Identifiers: ClinVar variation 159332 (VCV000159332.9), dbSNP rs587784118, ClinGen allele CA294886.